The following is an entry in ClinVar:

ClinVar aggregate classification (germline): Uncertain significance. Review status: criteria provided, multiple submitters, no conflicts (2 of 4 stars). 2 submissions from 2 submitters: Uncertain significance (2). Last evaluated 2025-09-26.

Conditions:
Inborn genetic diseases. Identifiers: MedGen C0950123, MeSH D030342.
Hyperekplexia 3 (HKPX3). Also called: HYPEREKPLEXIA 3, AUTOSOMAL RECESSIVE; HYPEREKPLEXIA 3, AUTOSOMAL DOMINANT. Identifiers: Orphanet 3197, MedGen C3553288, MONDO:0013827, OMIM 614618.

Allele frequency attached by ClinVar (database versions not stated): gnomAD 0.00001; gnomAD exomes 0.00001 and 0.00002; TOPMed 0.00001; ExAC 0.00002.
gnomAD v4.1: 16 of 1,613,894 alleles (0.00099%); highest among the groups gnomAD compares: Admixed American, 0.0083%; no homozygotes.

Submissions (2):

Ambry Genetics
Classification: Uncertain significance for Inborn genetic diseases. Last evaluated: 2025-09-26. Review status: criteria provided, single submitter. Criteria: Ambry Variant Classification Scheme 2023. Collection method: clinical testing. Allele origin: germline.

Labcorp Genetics (formerly Invitae), Labcorp
Classification: Uncertain significance for Hyperekplexia 3. Last evaluated: 2022-08-15. Review status: criteria provided, single submitter. Criteria: Invitae Variant Classification Sherloc (09022015). Collection method: clinical testing. Allele origin: germline.
Comment: This sequence change replaces alanine, which is neutral and non-polar, with serine, which is neutral and polar, at codon 240 of the SLC6A5 protein (p.Ala240Ser). This variant is present in population databases (rs749146260, gnomAD 0.006%). This variant has not been reported in the literature in individuals affected with SLC6A5-related conditions. ClinVar contains an entry for this variant (Variation ID: 1382219). Algorithms developed to predict the effect of missense changes on protein structure and function (SIFT, PolyPhen-2, Align-GVGD) all suggest that this variant is likely to be disruptive. In summary, the available evidence is currently insufficient to determine the role of this variant in disease. Therefore, it has been classified as a Variant of Uncertain Significance.

NM_004211.5(SLC6A5):c.718G>T (p.Ala240Ser)

Gene: SLC6A5 (solute carrier family 6 member 5; plus strand). Cytogenetic location: 11p15.1.
Variant type: single nucleotide variant.
Coding change: c.718G>T on transcript NM_004211.5 (MANE Select); coding-DNA position 718, G replaced by T.
Protein change: p.Ala240Ser; replaces alanine 240 with serine.
Molecular consequence: missense variant.
Genome position (GRCh38, 1-based): chr11:20,607,045, G>T. VCF-style: chr11-20607045-G-T. GRCh37 (hg19) VCF-style: chr11-20628591-G-T.
Other names: c.718G>T (NM_004211.3); c.16G>T, p.Ala6Ser (NM_001318369.2); short protein forms A6S, A240S.
Identifiers: ClinVar variation 1382219 (VCV001382219.6), dbSNP rs749146260, ClinGen allele CA5921185.